The following is an entry in ClinVar:

NM_031407.7(HUWE1):c.5806C>T (p.Pro1936Ser)

Gene: HUWE1 (HECT, UBA and WWE domain containing E3 ubiquitin protein ligase 1; minus strand). Cytogenetic location: Xp11.22.
Variant type: single nucleotide variant.
Coding change: c.5806C>T on transcript NM_031407.7 (MANE Select); coding-DNA position 5806, C replaced by T.
Protein change: p.Pro1936Ser; replaces proline 1936 with serine.
Molecular consequence: missense variant.
Genome position (GRCh38, 1-based): chrX:53,576,978, G>A on the plus strand (C>T on the coding strand, the complement: HUWE1 is on the minus strand). VCF-style: chrX-53576978-G-A. GRCh37 (hg19) VCF-style: chrX-53603938-G-A.
Other names: short protein forms P1936S.
Identifiers: ClinVar variation 1715795 (VCV001715795.5), dbSNP rs2524888544, ClinGen allele CA413172208.

ClinVar aggregate classification (germline): Uncertain significance (1 of 4 stars; one submission).

gnomAD v4.1: 2 of 1,201,106 alleles (0.00017%); highest among the groups gnomAD compares: South Asian, 0.0018%; no homozygotes.

Submission:

Labcorp Genetics (formerly Invitae), Labcorp
Classification: Uncertain significance. Last evaluated: 2022-08-09. Review status: criteria provided, single submitter. Criteria: Invitae Variant Classification Sherloc (09022015). Collection method: clinical testing. Allele origin: germline.
Comment: In summary, the available evidence is currently insufficient to determine the role of this variant in disease. Therefore, it has been classified as a Variant of Uncertain Significance. Advanced modeling of protein sequence and biophysical properties (such as structural, functional, and spatial information, amino acid conservation, physicochemical variation, residue mobility, and thermodynamic stability) performed at Invitae indicates that this missense variant is expected to disrupt HUWE1 protein function. This variant has not been reported in the literature in individuals affected with HUWE1-related conditions. This variant is not present in population databases (gnomAD no frequency). This sequence change replaces proline, which is neutral and non-polar, with serine, which is neutral and polar, at codon 1936 of the HUWE1 protein (p.Pro1936Ser).